The following is an entry in ClinVar:

ClinVar aggregate classification (germline): Uncertain significance (1 of 4 stars; one submission).

Conditions:
Frontotemporal dementia and/or amyotrophic lateral sclerosis 7 (FTDALS7). Also called: CHMP2B-related frontotemporal dementia; AMYOTROPHIC LATERAL SCLEROSIS, CHMP2B-RELATED; Amyotrophic lateral sclerosis 17; CHMP2B-Related Frontotemporal Dementia-Amyotrophic Lateral Sclerosis. Identifiers: Orphanet 275864, Orphanet 282, Orphanet 803, MedGen C1833296, MONDO:0010936, OMIM 600795.

gnomAD v4.1: 1 of 1,607,248 alleles (0.000062%); no homozygotes.

Submission:

Labcorp Genetics (formerly Invitae), Labcorp
Classification: Uncertain significance for Frontotemporal dementia and/or amyotrophic lateral sclerosis 7. Last evaluated: 2022-08-20. Review status: criteria provided, single submitter. Criteria: Invitae Variant Classification Sherloc (09022015). Collection method: clinical testing. Allele origin: germline.
Comment: In summary, the available evidence is currently insufficient to determine the role of this variant in disease. Therefore, it has been classified as a Variant of Uncertain Significance. Algorithms developed to predict the effect of missense changes on protein structure and function are either unavailable or do not agree on the potential impact of this missense change (SIFT: "Tolerated"; PolyPhen-2: "Probably Damaging"; Align-GVGD: "Class C0"). This variant has not been reported in the literature in individuals affected with CHMP2B-related conditions. This variant is not present in population databases (gnomAD no frequency). This sequence change replaces threonine, which is neutral and polar, with isoleucine, which is neutral and non-polar, at codon 121 of the CHMP2B protein (p.Thr121Ile).

NM_014043.4(CHMP2B):c.362C>T (p.Thr121Ile)

Gene: CHMP2B (charged multivesicular body protein 2B; plus strand). Cytogenetic location: 3p11.2.
Variant type: single nucleotide variant.
Coding change: c.362C>T on transcript NM_014043.4 (MANE Select); coding-DNA position 362, C replaced by T.
Protein change: p.Thr121Ile; replaces threonine 121 with isoleucine.
Molecular consequence: missense variant.
Genome position (GRCh38, 1-based): chr3:87,249,915, C>T. VCF-style: chr3-87249915-C-T. GRCh37 (hg19) VCF-style: chr3-87299065-C-T.
Other names: c.239C>T, p.Thr80Ile (NM_001244644.2); c.458C>T, p.Thr153Ile (NM_001410777.1); short protein forms T121I, T153I, T80I.
Identifiers: ClinVar variation 1717146 (VCV001717146.6), dbSNP rs2471769383, ClinGen allele CA353697276.
Genomic context (GRCh38, chr3:87,249,915, plus strand): 5'-TCTTGTAAATACATTTAAAGACAATGCAGGCAGTTAACAAGAAGATGGATCCACAAAAGA[C>T]ATTACAAACAATGCAGAATTTCCAGAAGGAAAACATGAAAATGGAAATGACTGAAGAAAT-3'
Protein context (NP_054762.2, residues 111-131): AVNKKMDPQK[Thr121Ile]LQTMQNFQKE